The following is an entry in ClinVar:

NM_004928.3(CFAP410):c.338G>A (p.Arg113His)

Gene: CFAP410 (cilia and flagella associated protein 410; minus strand). Cytogenetic location: 21q22.3.
Variant type: single nucleotide variant.
Coding change: c.338G>A on transcript NM_004928.3 (MANE Select); coding-DNA position 338, G replaced by A.
Protein change: p.Arg113His; replaces arginine 113 with histidine.
Molecular consequence: missense variant.
Genome position (GRCh38, 1-based): chr21:44,333,068, C>T on the plus strand (G>A on the coding strand, the complement: CFAP410 is on the minus strand). VCF-style: chr21-44333068-C-T. GRCh37 (hg19) VCF-style: chr21-45752951-C-T.
Other names: c.338G>A, p.Arg113His (NM_001271440.2, NM_001271441.2); c.215G>A, p.Arg72His (NM_001271442.1); short protein forms R72H, R113H.
Identifiers: ClinVar variation 861590 (VCV000861590.6), dbSNP rs762159564, ClinGen allele CA10053721.

ClinVar aggregate classification (germline): Uncertain significance. Review status: criteria provided, multiple submitters, no conflicts (2 of 4 stars). 2 submissions from 2 submitters: Uncertain significance (2). Last evaluated 2024-10-30.

Allele frequency attached by ClinVar (database versions not stated): gnomAD 0.00003 and 0.00006; TOPMed 0.00008; gnomAD exomes 0.00015; ExAC 0.00023.
gnomAD v4.1: 139 of 1,604,868 alleles (0.0087%); highest among the groups gnomAD compares: South Asian, 0.048%; no homozygotes.

Submissions (2):

Blueprint Genetics
Classification: Uncertain significance. Last evaluated: 2024-10-30. Review status: criteria provided, single submitter. Criteria: ACMG Guidelines, 2015. Collection method: clinical testing. Allele origin: germline.

Labcorp Genetics (formerly Invitae), Labcorp
Classification: Uncertain significance. Last evaluated: 2022-11-01. Review status: criteria provided, single submitter. Criteria: Invitae Variant Classification Sherloc (09022015). Collection method: clinical testing. Allele origin: germline.
Comment: This sequence change replaces arginine, which is basic and polar, with histidine, which is basic and polar, at codon 113 of the CFAP410 protein (p.Arg113His). This variant is present in population databases (rs762159564, gnomAD 0.04%). This variant has not been reported in the literature in individuals affected with CFAP410-related conditions. ClinVar contains an entry for this variant (Variation ID: 861590). Advanced modeling of protein sequence and biophysical properties (such as structural, functional, and spatial information, amino acid conservation, physicochemical variation, residue mobility, and thermodynamic stability) performed at Invitae indicates that this missense variant is not expected to disrupt CFAP410 protein function. In summary, the available evidence is currently insufficient to determine the role of this variant in disease. Therefore, it has been classified as a Variant of Uncertain Significance.